The following is an entry in ClinVar:

NM_024642.5(GALNT12):c.1429T>C (p.Tyr477His)

Gene: GALNT12 (polypeptide N-acetylgalactosaminyltransferase 12; plus strand). Cytogenetic location: 9q22.33.
Variant type: single nucleotide variant.
Coding change: c.1429T>C on transcript NM_024642.5 (MANE Select); coding-DNA position 1429, T replaced by C.
Protein change: p.Tyr477His; replaces tyrosine 477 with histidine.
Molecular consequence: missense variant.
Genome position (GRCh38, 1-based): chr9:98,844,180, T>C. VCF-style: chr9-98844180-T-C. GRCh37 (hg19) VCF-style: chr9-101606462-T-C.
Other names: short protein forms Y477H.
Identifiers: ClinVar variation 1772454 (VCV001772454.2), dbSNP rs2490552615, ClinGen allele CA374221499.

ClinVar aggregate classification (germline): Uncertain significance (1 of 4 stars; one submission).

Allele frequency attached by ClinVar (database versions not stated): gnomAD exomes below 0.00001.
gnomAD v4.1: 1 of 1,613,112 alleles (0.000062%); highest among the groups gnomAD compares: Non-Finnish European, 0.000085%; no homozygotes.

Submission:

Ambry Genetics
Classification: Uncertain significance. Last evaluated: 2022-02-12. Review status: criteria provided, single submitter. Criteria: Ambry Variant Classification Scheme 2023. Collection method: clinical testing. Allele origin: germline.
Comment: The p.Y477H variant (also known as c.1429T>C), located in coding exon 8 of the GALNT12 gene, results from a T to C substitution at nucleotide position 1429. The tyrosine at codon 477 is replaced by histidine, an amino acid with similar properties. This amino acid position is conserved. In addition, the in silico prediction for this alteration is inconclusive. Since supporting evidence is limited at this time, the clinical significance of this alteration remains unclear.